The following is an entry in ClinVar:

ClinVar aggregate classification (germline): Benign; other. Review status: criteria provided, multiple submitters, no conflicts (2 of 4 stars). 19 submissions from 19 submitters: Benign (13). 5 of the submissions do not count toward it. Last evaluated 2026-07-01.

Conditions:
Cardiovascular phenotype. Identifiers: MedGen CN230736.
Acid alpha-glucosidase, allele 4.
Glycogen storage disease, type II (IOPD). Also called: GLYCOGENOSIS, GENERALIZED, CARDIAC FORM; GSD II; ACID MALTASE DEFICIENCY, INFANTILE-ONSET; Glucosidase acid-1,4-alpha deficiency; CARDIOMEGALIA GLYCOGENICA DIFFUSA; Glycogen storage disease type 2. Identifiers: Orphanet 365, MedGen C0017921, MONDO:0009290, OMIM 232300.

Allele frequency attached by ClinVar (database versions not stated): gnomAD 0.04394 and 0.04051; TOPMed 0.03991; 1000 Genomes Project 30x 0.07464; 1000 Genomes Project 0.07808; ExAC 0.08797.
gnomAD v4.1: 72,894 of 1,601,260 alleles (4.6%); highest among the groups gnomAD compares: East Asian, 26%; 2,969 homozygotes.

Submissions (19):

Genomenon, Inc
Classification: Benign for Glycogen storage disease, type II. Last evaluated: 2026-07-01. Review status: criteria provided, single submitter. Criteria: Genomenon Sequence Variant Interpretation Standards - Updated. Collection method: curation. Allele origin: germline. Affected: no.
Comment: GAA p.Glu689Lys (c.2065G>A) is a missense variant that changes the amino acid at codon 689 from Glutamic acid to Lysine. This variant is present at high allele frequency in population databases. We classify GAA p.Glu689Lys (c.2065G>A) as a benign variant.

Dasa
Classification: Benign. Last evaluated: 2026-04-24. Review status: criteria provided, single submitter. Criteria: DASA Assertion Criteria. Collection method: clinical testing. Allele origin: germline.
Comment: NM_000152.5(GAA):c.2065G>A (p.Glu689Lys) is interpreted as benign based on a combination of available evidence, including population frequency. Based on the available data, this variant is classified as benign.

ARUP Laboratories, Molecular Genetics and Genomics, ARUP Laboratories
Classification: Benign for Glycogen storage disease, type II. Last evaluated: 2025-07-23. Review status: criteria provided, single submitter. Criteria: ARUP Molecular Germline Variant Investigation Process 2024. Collection method: clinical testing. Allele origin: germline.

Blueprint Genetics
Classification: Benign. Last evaluated: 2024-11-27. Review status: criteria provided, single submitter. Criteria: ACMG Guidelines, 2015. Collection method: clinical testing. Allele origin: germline.

Department of Pathology and Laboratory Medicine, Sinai Health System
Classification: Benign for Glycogen storage disease, type II. Last evaluated: 2023-04-23. Review status: criteria provided, single submitter. Criteria: ACMG Guidelines, 2015. Collection method: research. Allele origin: germline.

Genome-Nilou Lab
Classification: Benign for Glycogen storage disease, type II. Last evaluated: 2021-06-10. Review status: criteria provided, single submitter. Criteria: ACMG Guidelines, 2015. Collection method: clinical testing. Allele origin: germline. Affected: no.

Broad Center for Mendelian Genomics, Broad Institute of MIT and Harvard
Classification: Benign for Glycogen storage disease, type II. Last evaluated: 2020-01-22. Review status: criteria provided, single submitter. Criteria: ACMG Guidelines, 2015. Collection method: curation. Allele origin: germline. Inheritance: Autosomal recessive inheritance.
Comment: The p.Glu689Lys variant in GAA has been reported as a benign and likely benign variant for Glycogen Storage Disease II in ClinVar (Variation ID: 4030). This variant has been identified in 5.490% (13805/251476) of chromosomes, including 757 homozygotes, by the Genome Aggregation Database (gnomAD; dbSNP rs1800309). This variant has been seen in the general population at a frequency high enough to rule out a pathogenic role. It is a known pseudodeficiency allele that causes false-positive results in GAA deficiency enzyme assays (PMID: 20080426, 18301443). In summary, this variant meets criteria to be classified as benign for Glycogen Storage Disease II in an autosomal recessive manner based on its frequency in the general population. ACMG/AMP Criteria applied: BA1 (Richards 2015).

Labcorp Genetics (formerly Invitae), Labcorp
Classification: other for Glycogen storage disease, type II. Last evaluated: 2019-01-07. Review status: criteria provided, single submitter. Criteria: Invitae Variant Classification Sherloc (09022015). Collection method: clinical testing. Allele origin: germline.

Ambry Genetics
Classification: Benign for Cardiovascular phenotype. Last evaluated: 2018-12-11. Review status: criteria provided, single submitter. Criteria: Ambry Variant Classification Scheme 2023. Collection method: clinical testing. Allele origin: germline.

Illumina Laboratory Services, Illumina
Classification: Benign for Glycogen storage disease, type II. Last evaluated: 2018-03-06. Review status: criteria provided, single submitter. Criteria: ICSL Variant Classification Criteria 13 December 2019. Collection method: clinical testing. Allele origin: germline.
Comment: This variant was observed in the ICSL laboratory as part of a predisposition screen in an ostensibly healthy population. It had not been previously curated by ICSL or reported in the Human Gene Mutation Database (HGMD: prior to June 1st, 2018), and was therefore a candidate for classification through an automated scoring system. Utilizing variant allele frequency, disease prevalence and penetrance estimates, and inheritance mode, an automated score was calculated to assess if this variant is too frequent to cause the disease. Based on the score and internal cut-off values, a variant classified as benign is not then subjected to further curation. The score for this variant resulted in a classification of benign for this disease.

Phosphorus, Inc.
Classification: Benign for Glycogen storage disease, type II. Last evaluated: 2017-08-01. Review status: criteria provided, single submitter. Criteria: ACMG Guidelines, 2015. Collection method: clinical testing. Allele origin: germline. Observed: 2 variant alleles.

Eurofins Ntd Llc (ga)
Classification: Benign. Last evaluated: 2012-09-10. Review status: criteria provided, single submitter. Criteria: EGL Classification Definitions 2015. Collection method: clinical testing. Allele origin: germline. Observed: 14 variant alleles, 13 heterozygotes, 1 homozygote.

Breakthrough Genomics
Classification: Benign. Review status: criteria provided, single submitter. Criteria: ACMG Guidelines, 2015. Collection method: not provided. Allele origin: germline. Inheritance: Autosomal recessive inheritance. Affected: yes.

PreventionGenetics, part of Exact Sciences
Classification: Benign. Review status: criteria provided, single submitter. Criteria: ACMG Guidelines, 2015. Collection method: clinical testing. Allele origin: germline.

Mayo Clinic Laboratories, Mayo Clinic
Classification: Benign. Last evaluated: 2015-12-16. Review status: no assertion criteria provided. Collection method: clinical testing. Allele origin: unknown. Not counted in ClinVar's aggregate classification.

Clinical Genetics DNA and cytogenetics Diagnostics Lab, Erasmus MC, Erasmus Medical Center
Classification: Benign. Review status: no assertion criteria provided. Collection method: clinical testing. Allele origin: germline. Affected: yes. Study: VKGL Data-share Consensus. Not counted in ClinVar's aggregate classification.

Genetic Services Laboratory, University of Chicago
Classification: Likely benign for AllHighlyPenetrant. Review status: no assertion criteria provided. Collection method: clinical testing. Allele origin: germline. Inheritance: Autosomal recessive inheritance. Not counted in ClinVar's aggregate classification.
Comment: Likely benign based on allele frequency in 1000 Genomes Project or ESP global frequency and its presence in a patient with a rare or unrelated disease phenotype. NOT Sanger confirmed.

Genome Diagnostics Laboratory, University Medical Center Utrecht
Classification: Benign. Review status: no assertion criteria provided. Collection method: clinical testing. Allele origin: germline. Affected: yes. Study: VKGL Data-share Consensus. Not counted in ClinVar's aggregate classification.

OMIM
Classification: Pathogenic for ACID ALPHA-GLUCOSIDASE, ALLELE 4. Last evaluated: 1996-09-01. Review status: flagged submission. Collection method: literature only. Allele origin: germline. Not counted in ClinVar's aggregate classification.
ClinVar note: Reason: Older and outlier claim with insufficient supporting evidence

Literature cited by the submitters: PubMed 30311383 (cited by Dasa); PubMed 20080426 (cited by Broad Center for Mendelian Genomics, Broad Institute of MIT and Harvard); PubMed 8912788 (cited by Phosphorus, Inc. and OMIM); PubMed 18414213 (cited by Phosphorus, Inc.); PubMed 23757202 (cited by Phosphorus, Inc.).

NM_000152.3(GAA):c.2065G>A (p.Glu689Lys)

Gene: GAA (alpha glucosidase; plus strand). Cytogenetic location: 17q25.3.
Variant type: single nucleotide variant.
Coding change: c.2065G>A on transcript NM_000152.3; coding-DNA position 2065, G replaced by A.
Protein change: p.Glu689Lys; replaces glutamic acid 689 with lysine.
Molecular consequence: missense variant (on NM_000152.5).
Genome position (GRCh38, 1-based): chr17:80,113,242, G>A. VCF-style: chr17-80113242-G-A. GRCh37 (hg19) VCF-style: chr17-78087041-G-A.
Other names: c.2065G>A, p.Glu689Lys (NM_000152.5, NM_001079803.3, NM_001079804.3); short protein forms E689K.
Identifiers: ClinVar variation 4030 (VCV000004030.44), dbSNP rs1800309, ClinGen allele CA116612.
Genomic context (GRCh38, chr17:80,113,242, plus strand): 5'-ACCCAAGTGCTTCCTTTGCCCCCGCCTGCCCTGCAGCCCCAGGAGCCGTACAGCTTCAGC[G>A]AGCCGGCCCAGCAGGCCATGAGGAAGGCCCTCACCCTGCGCTACGCACTCCTCCCCCACC-3'
Protein context (NP_000143.2, residues 679-699): SLPQEPYSFS[Glu689Lys]PAQQAMRKAL